The following is an entry in ClinVar:

NM_001377295.2(GNAT2):c.496del (p.Glu166fs)

Gene: GNAT2 (G protein subunit alpha transducin 2; minus strand). Cytogenetic location: 1p13.3.
Variant type: Deletion.
Coding change: c.496del on transcript NM_001377295.2 (MANE Select); coding-DNA position 496, one base deleted (G; older notation c.496delG).
Protein change: p.Glu166fs; shifts the reading frame from glutamic acid 166.
Molecular consequence: frameshift variant.
Genome position (GRCh38, 1-based): chr1:109,606,402, C deleted on the plus strand (G on the coding strand, the reverse complement: GNAT2 is on the minus strand). VCF-style (leftmost placement, unchanged base first): chr1-109606401-TC-T. GRCh37 (hg19) VCF-style: chr1-110149023-TC-T.
Other names: c.496del, p.Glu166fs (NM_001379232.1, NM_005272.5); short protein forms E166fs.
Identifiers: ClinVar variation 1958714 (VCV001958714.5), dbSNP rs2524338495, ClinGen allele CA2580060789.
Genomic context (GRCh38, chr1:109,606,401, plus strand): 5'-TCAATGATGCCCGTGGTTTTGACTCTGGATCGGAGCACATCTTGCTCACTAGGGAGGTAC[TC>T]AGGGTCTGTAATTCGTTCTAATTGGTTCAGGTAGCTAGAGAAAAGTGATTAGCATCAATG-3'

ClinVar aggregate classification (germline): Pathogenic (1 of 4 stars; one submission).

Submission:

Labcorp Genetics (formerly Invitae), Labcorp
Classification: Pathogenic. Last evaluated: 2022-03-19. Review status: criteria provided, single submitter. Criteria: Invitae Variant Classification Sherloc (09022015). Collection method: clinical testing. Allele origin: germline.
Comment: For these reasons, this variant has been classified as Pathogenic. This variant has not been reported in the literature in individuals affected with GNAT2-related conditions. This variant is not present in population databases (gnomAD no frequency). This sequence change creates a premature translational stop signal (p.Glu166Serfs*29) in the GNAT2 gene. It is expected to result in an absent or disrupted protein product. Loss-of-function variants in GNAT2 are known to be pathogenic (PMID: 12077706).

Literature cited by the submitters: PubMed 12077706.